The following is an entry in ClinVar:

ClinVar aggregate classification (germline): Uncertain significance (1 of 4 stars; one submission).

gnomAD v4.1: 42 of 1,530,138 alleles (0.0027%); highest among the groups gnomAD compares: South Asian, 0.013%; no homozygotes.

Submission:

Quest Diagnostics Nichols Institute San Juan Capistrano
Classification: Uncertain significance. Last evaluated: 2023-11-30. Review status: criteria provided, single submitter. Criteria: Quest Diagnostics criteria. Collection method: clinical testing. Allele origin: unknown.
Comment: The FH c.-9C>T variant is located upstream of the FH mRNA translation start site, and to the best of our knowledge, it has not been reported in the published literature. The frequency of this variant in the general population, 0.000057 (3/52664 chromosomes (Genome Aggregation Database)), is uninformative in the assessment of its pathogenicity. Based on the available information, we are unable to determine the clinical significance of this variant.

NM_000143.4(FH):c.-9C>T

Gene: FH (fumarate hydratase; minus strand). Cytogenetic location: 1q43.
Variant type: single nucleotide variant.
Coding change: c.-9C>T on transcript NM_000143.4 (MANE Select); 9 bases upstream of the start codon, C replaced by T.
Molecular consequence: 5 prime UTR variant.
Genome position (GRCh38, 1-based): chr1:241,519,731, G>A on the plus strand (C>T on the coding strand, the complement: FH is on the minus strand). VCF-style: chr1-241519731-G-A. GRCh37 (hg19) VCF-style: chr1-241683031-G-A.
Identifiers: ClinVar variation 3572420 (VCV003572420.1).
Genomic context (GRCh38, chr1:241,519,731, plus strand): 5'-GAGCCCGCACGAGGGGACGCGAGCGCGCGAGGAGCCGAAGTGCTCGGTACATGGTGCTGA[G>A]GGAGCTTGGGTAGAATTTCTGGGCGGCTGTGGCCACGCCTCCACGCCGGTTGTCAGAAAC-3'